The following is an entry in ClinVar:

NM_004655.4(AXIN2):c.1460T>A (p.Leu487Gln)

Gene: AXIN2 (axin 2; minus strand). Cytogenetic location: 17q24.1.
Variant type: single nucleotide variant.
Coding change: c.1460T>A on transcript NM_004655.4 (MANE Select); coding-DNA position 1460, T replaced by A.
Protein change: p.Leu487Gln; replaces leucine 487 with glutamine.
Molecular consequence: missense variant.
Genome position (GRCh38, 1-based): chr17:65,537,576, A>T on the plus strand (T>A on the coding strand, the complement: AXIN2 is on the minus strand). VCF-style: chr17-65537576-A-T. GRCh37 (hg19) VCF-style: chr17-63533694-A-T.
Other names: c.1460T>A (LRG_296t1); c.1460T>A, p.Leu487Gln (NM_001363813.1); short protein forms L487Q.
Identifiers: ClinVar variation 533237 (VCV000533237.8), dbSNP rs1555577817, ClinGen allele CA400677455.

ClinVar aggregate classification (germline): Uncertain significance (1 of 4 stars; one submission).

Conditions:
Oligodontia-cancer predisposition syndrome. Also called: TOOTH AGENESIS-COLORECTAL CANCER SYNDROME. Identifiers: Orphanet 300576, MedGen C1837750, MONDO:0012075, OMIM 608615. Disease mechanism: loss of function.

Submission:

Labcorp Genetics (formerly Invitae), Labcorp
Classification: Uncertain significance for Oligodontia-cancer predisposition syndrome. Last evaluated: 2017-11-02. Review status: criteria provided, single submitter. Criteria: Invitae Variant Classification Sherloc (09022015). Collection method: clinical testing. Allele origin: germline.
Comment: In summary, the available evidence is currently insufficient to determine the role of this variant in disease. Therefore, it has been classified as a Variant of Uncertain Significance. Algorithms developed to predict the effect of missense changes on protein structure and function do not agree on the potential impact of this missense change (SIFT: "Tolerated"; PolyPhen-2: "Possibly Damaging"; Align-GVGD: "Class C0"). This variant has not been reported in the literature in individuals with AXIN2-related disease. This variant is not present in population databases (ExAC no frequency). This sequence change replaces leucine with glutamine at codon 487 of the AXIN2 protein (p.Leu487Gln). The leucine residue is moderately conserved and there is a moderate physicochemical difference between leucine and glutamine.